The following continues an entry in ClinVar:

NM_007294.4(BRCA1):c.5288G>T (p.Gly1763Val)

Gene: BRCA1. ClinVar aggregate classification (germline): Uncertain significance. Uncertain significance (1).

Submissions 7 to 11 of 11:

GeneDx
Classification: Uncertain significance. Last evaluated: 2017-07-03. Review status: criteria provided, single submitter. Criteria: GeneDx Variant Classification (06012015). Collection method: clinical testing. Allele origin: germline. Affected: yes. Not counted in ClinVar's aggregate classification.
Comment: This variant is denoted BRCA1 c.5288G>T at the cDNA level, p.Gly1763Val (G1763V) at the protein level, and results in the change of a Glycine to a Valine (GGG>GTG). This variant has been identified in at least one individual with breast cancer (Judkins 2005). Functional studies have shown that this variant exhibits compromised phosphopeptide binding activity and specificity, mild protein folding defects, and reduced transcriptional activity compared to wild type (Lee 2010). BRCA1 Gly1763Val was not observed in large population cohorts (NHLBI Exome Sequencing Project, The 1000 Genomes Consortium 2015, Lek 2016). Since Glycine and Valine share similar properties, this is considered a conservative amino acid substitution. BRCA1 Gly1763Val occurs at a position that is conserved across species and is located in the BRCT 2 domain and a region known to interact with multiple other proteins (Paul 2014, UniProt). In silico analyses predict that this variant is probably damaging to protein structure and function. Based on currently available evidence, it is unclear whether BRCA1 Gly1763Val is a pathogenic or benign variant. We consider it to be a variant of uncertain significance.

Quest Diagnostics Nichols Institute San Juan Capistrano
Classification: Uncertain significance. Last evaluated: 2017-01-24. Review status: criteria provided, single submitter. Criteria: Quest Diagnostics criteria. Collection method: clinical testing. Allele origin: germline. Not counted in ClinVar's aggregate classification.

Department of Medical and Surgical Sciences, University of Bologna
Classification: Uncertain significance for Breast-ovarian cancer, familial, susceptibility to, 1. Last evaluated: 2023-09-01. Review status: no assertion criteria provided. Collection method: clinical testing. Allele origin: germline. Affected: yes. Not counted in ClinVar's aggregate classification.
Comment: PS3(Strong)+PM2(Supporting) according to ACMG/AMP classification guidelines specified for BRCA1 & BRCA2 (Classification Criteria V1.0.0 2023-09-08) (PMID: 38160042)

Breast Cancer Information Core (BIC) (BRCA1)
Classification: Uncertain significance for Breast-ovarian cancer, familial 1. Last evaluated: 2004-11-25. Review status: no assertion criteria provided. Collection method: clinical testing. Allele origin: germline. Affected: yes. Observed: 1 variant allele. Not counted in ClinVar's aggregate classification.

Brotman Baty Institute, University of Washington
No classification provided (evidence only). Condition: Breast-ovarian cancer, familial 1. Review status: no classification provided. Collection method: in vitro. Allele origin: not applicable. Functional consequence: functionally_abnormal. Not counted in ClinVar's aggregate classification.
ClinVar note: "not provided" was previously submitted as the classification for the variant. However, the classification appeared to be based only on an observation of functional data so it was converted to no classification on 2025-07-30.

Literature cited by the submitters: PubMed 26778126 (cited by Ambry Genetics); PubMed 29113215 (cited by 3 submitters); PubMed 30209399 (cited by 3 submitters); PubMed 35196514 (cited by Ambry Genetics and Color Diagnostics, LLC DBA Color Health); PubMed 20516115 (cited by 3 submitters); PubMed 30765603 (cited by Color Diagnostics, LLC DBA Color Health); PubMed 31853058 (cited by Color Diagnostics, LLC DBA Color Health); PubMed 37121054 (cited by Color Diagnostics, LLC DBA Color Health); PubMed 16267036 (cited by Quest Diagnostics Nichols Institute San Juan Capistrano).